The following is an entry in ClinVar:

NM_025137.4(SPG11):c.5471G>A (p.Arg1824Gln)

Gene: SPG11 (SPG11 vesicle trafficking associated, spatacsin; minus strand). Cytogenetic location: 15q21.1.
Variant type: single nucleotide variant.
Coding change: c.5471G>A on transcript NM_025137.4 (MANE Select); coding-DNA position 5471, G replaced by A.
Protein change: p.Arg1824Gln; replaces arginine 1824 with glutamine.
Molecular consequence: missense variant.
Genome position (GRCh38, 1-based): chr15:44,584,209, C>T on the plus strand (G>A on the coding strand, the complement: SPG11 is on the minus strand). VCF-style: chr15-44584209-C-T. GRCh37 (hg19) VCF-style: chr15-44876407-C-T.
Other names: c.5471G>A, p.Arg1824Gln (NM_001160227.2); short protein forms R1824Q.
Identifiers: ClinVar variation 571323 (VCV000571323.16), dbSNP rs752401008, ClinGen allele CA7534402.

ClinVar aggregate classification (germline): Conflicting classifications of pathogenicity. Review status: criteria provided, conflicting classifications (1 of 4 stars). 10 submissions from 8 submitters: Uncertain significance (9); Likely benign (1). Last evaluated 2026-08-09.

Conditions:
SPG11-related disorder. Also called: SPG11-related condition.
Charcot-Marie-Tooth disease axonal type 2X. Also called: CHARCOT-MARIE-TOOTH DISEASE, AXONAL, AUTOSOMAL RECESSIVE, TYPE 2X; CHARCOT-MARIE-TOOTH NEUROPATHY, TYPE 2X. Identifiers: Orphanet 466775, MedGen C5569024, MONDO:0014726, OMIM 616668.
Amyotrophic lateral sclerosis type 5 (ALS5). Also called: AMYOTROPHIC LATERAL SCLEROSIS 5, JUVENILE. Identifiers: Orphanet 300605, MedGen C1865864, MONDO:0011196, OMIM 602099.
Hereditary spastic paraplegia 11. Also called: Nakamura Osame syndrome; Autosomal recessive hereditary spastic paraplegia, mental impairment, and thin corpus callosum; Spastic paraplegia, mental retardation and thin corpus callosum; SPASTIC PARAPLEGIA, AUTOSOMAL RECESSIVE, COMPLICATED, WITH THIN CORPUS CALLOSUM; SPASTIC PARAPLEGIA, AUTOSOMAL RECESSIVE, WITH MENTAL IMPAIRMENT AND THIN CORPUS CALLOSUM; Spastic Paraplegia 11. Identifiers: Orphanet 2822, MedGen C1858479, MONDO:0011445, OMIM 604360.

Allele frequency attached by ClinVar (database versions not stated): gnomAD 0.00005; TOPMed 0.00006; gnomAD exomes 0.00009 and 0.00018; ExAC 0.00016.
gnomAD v4.1: 139 of 1,614,058 alleles (0.0086%); highest among the groups gnomAD compares: South Asian, 0.082%; 1 homozygote.

Submissions (10):

PreventionGenetics, part of Exact Sciences
Classification: Uncertain significance for SPG11-related condition. Last evaluated: 2026-08-09. Review status: criteria provided, single submitter. Criteria: ACMG Guidelines, 2015. Collection method: clinical testing. Allele origin: germline.
Comment: The SPG11 c.5471G>A variant is predicted to result in the amino acid substitution p.Arg1824Gln. To our knowledge, this variant has not been reported in the literature. This variant is reported in 0.075% of alleles in individuals of South Asian descent in gnomAD which may be too frequent for a disease-causing variant. Although we suspect that this variant may be benign, at this time, the clinical significance of this variant is uncertain due to the absence of conclusive functional and genetic evidence.

GeneDx
Classification: Uncertain significance. Last evaluated: 2026-04-09. Review status: criteria provided, single submitter. Criteria: GeneDx Variant Classification Process June 2021. Collection method: clinical testing. Allele origin: germline.
Comment: Has not been previously published as pathogenic or benign to our knowledge; In silico analysis suggests that this missense variant does not alter protein structure/function; This variant is associated with the following publications: (PMID: 27397505)

Labcorp Genetics (formerly Invitae), Labcorp
Classification: Likely benign for Hereditary spastic paraplegia 11. Last evaluated: 2026-01-27. Review status: criteria provided, single submitter. Criteria: Invitae Variant Classification Sherloc (09022015). Collection method: clinical testing. Allele origin: germline.

Revvity Omics, Revvity
Classification: Uncertain significance. Last evaluated: 2023-04-11. Review status: criteria provided, single submitter. Criteria: ACMG Guidelines, 2015. Collection method: clinical testing. Allele origin: germline.

Athena Diagnostics
Classification: Uncertain significance. Last evaluated: 2022-11-17. Review status: criteria provided, single submitter. Criteria: Athena Diagnostics Criteria. Collection method: clinical testing. Allele origin: unknown.
Comment: Available data are insufficient to determine the clinical significance of the variant at this time. The frequency of this variant in the general population is higher than would generally be expected for pathogenic variants in this gene. Computational tools predict that this variant is not damaging.

Fulgent Genetics
Classification: Uncertain significance for Amyotrophic lateral sclerosis type 5; Hereditary spastic paraplegia 11; Charcot-Marie-Tooth disease axonal type 2X. Last evaluated: 2018-10-31. Review status: criteria provided, single submitter. Criteria: ACMG Guidelines, 2015. Collection method: clinical testing. Allele origin: unknown.

Breakthrough Genomics
Classification: Uncertain significance. Review status: criteria provided, single submitter. Criteria: ACMG Guidelines, 2015. Collection method: not provided. Allele origin: germline. Inheritance: Autosomal recessive inheritance. Affected: yes.

Genome-Nilou Lab
Classification: Uncertain significance for Amyotrophic lateral sclerosis type 5. Review status: criteria provided, single submitter. Criteria: ACMG Guidelines, 2015. Collection method: clinical testing. Allele origin: germline.

Genome-Nilou Lab
Classification: Uncertain significance for Charcot-Marie-Tooth disease axonal type 2X. Review status: criteria provided, single submitter. Criteria: ACMG Guidelines, 2015. Collection method: clinical testing. Allele origin: germline.

Genome-Nilou Lab
Classification: Uncertain significance for Hereditary spastic paraplegia 11. Review status: criteria provided, single submitter. Criteria: ACMG Guidelines, 2015. Collection method: clinical testing. Allele origin: germline.